The following is an entry in ClinVar:

ClinVar aggregate classification (germline): Benign/Likely benign. Review status: criteria provided, multiple submitters, no conflicts (2 of 4 stars). 3 submissions from 3 submitters: Benign (1); Likely benign (2). Last evaluated 2026-01-13.

Allele frequency attached by ClinVar (database versions not stated): gnomAD exomes 0.00007; ExAC 0.00022; ESP Exome Variant Server 0.00031; 1000 Genomes Project 0.00040; 1000 Genomes Project 30x 0.00047; gnomAD 0.00104 and 0.00113; TOPMed 0.00113.
gnomAD v4.1: 273 of 1,612,380 alleles (0.017%); highest among the groups gnomAD compares: African/African-American, 0.33%; 2 homozygotes.

Submissions (3):

Labcorp Genetics (formerly Invitae), Labcorp
Classification: Benign. Last evaluated: 2026-01-13. Review status: criteria provided, single submitter. Criteria: Invitae Variant Classification Sherloc (09022015). Collection method: clinical testing. Allele origin: germline.

GeneDx
Classification: Likely benign. Last evaluated: 2021-02-27. Review status: criteria provided, single submitter. Criteria: GeneDx Variant Classification Process June 2021. Collection method: clinical testing. Allele origin: germline. Affected: yes.

Laboratory for Molecular Medicine, Mass General Brigham Personalized Medicine
Classification: Likely benign. Last evaluated: 2012-05-07. Review status: criteria provided, single submitter. Criteria: LMM Criteria. Collection method: clinical testing. Allele origin: germline. Observed: 1 variant allele.
Comment: 3734-13T>C in intron 29 of OTOF: This variant is not expected to have clinical s ignificance because it does not alter an amino acid residue, is not predicted to impact the splice consensus sequence and has been identified in 0.1% (5/3734) o f African American chromosomes from a broad population by the NHLBI Exome sequen cing project.

NM_194248.3(OTOF):c.3734-13T>C

Gene: OTOF (otoferlin; minus strand). Cytogenetic location: 2p23.3.
Variant type: single nucleotide variant.
Coding change: c.3734-13T>C on transcript NM_194248.3 (MANE Select); 13 bases into the intron before coding-DNA position 3734, T replaced by C.
Molecular consequence: intron variant.
Genome position (GRCh38, 1-based): chr2:26,472,662, A>G on the plus strand (T>C on the coding strand, the complement: OTOF is on the minus strand). VCF-style: chr2-26472662-A-G. GRCh37 (hg19) VCF-style: chr2-26695530-A-G.
Other names: c.3734-13T>C (NM_001287489.2); c.1493-73T>C (NM_194323.3, NM_004802.4); c.1664-13T>C (NM_194322.3).
Identifiers: ClinVar variation 48224 (VCV000048224.16), dbSNP rs368329882, ClinGen allele CA142868.